The following is an entry in ClinVar:

ClinVar aggregate classification (germline): Uncertain significance (1 of 4 stars; one submission).

Submission:

CeGaT Center for Human Genetics Tuebingen
Classification: Uncertain significance. Last evaluated: 2026-03-01. Review status: criteria provided, single submitter. Criteria: CeGaT Center For Human Genetics Tuebingen Variant Classification Criteria Version 2. Collection method: clinical testing. Allele origin: germline. Affected: yes. Observed: 1 variant allele.
Comment: FRMPD4: PM2

NM_001368397.1(FRMPD4):c.2555C>G (p.Ala852Gly)

Gene: FRMPD4 (FERM and PDZ domain containing 4; plus strand). Cytogenetic location: Xp22.2.
Variant type: single nucleotide variant.
Coding change: c.2555C>G on transcript NM_001368397.1 (MANE Select); coding-DNA position 2555, C replaced by G.
Protein change: p.Ala852Gly; replaces alanine 852 with glycine.
Molecular consequence: missense variant.
Genome position (GRCh38, 1-based): chrX:12,717,014, C>G. VCF-style: chrX-12717014-C-G. GRCh37 (hg19) VCF-style: chrX-12735133-C-G.
Other names: c.2435C>G, p.Ala812Gly (NM_001368400.3); c.2531C>G, p.Ala844Gly (NM_001368401.1, NM_001368402.3); c.2555C>G, p.Ala852Gly (NM_014728.3); c.2666C>G, p.Ala889Gly (NM_001368395.3, NM_001368398.3); c.2561C>G, p.Ala854Gly (NM_001368396.3); c.2546C>G, p.Ala849Gly (NM_001368399.3); short protein forms A812G, A844G, A849G, A852G, A854G, A889G.
Identifiers: ClinVar variation 4823742 (VCV004823742.4).